The following is an entry in ClinVar:

ClinVar aggregate classification (germline): Uncertain significance (1 of 4 stars; one submission).

gnomAD v4.1: 4 of 1,367,412 alleles (0.00029%); highest among the groups gnomAD compares: Non-Finnish European, 0.00039%; no homozygotes.

Submission:

Labcorp Genetics (formerly Invitae), Labcorp
Classification: Uncertain significance. Last evaluated: 2024-03-26. Review status: criteria provided, single submitter. Criteria: Invitae Variant Classification Sherloc (09022015). Collection method: clinical testing. Allele origin: germline.
Comment: This sequence change replaces lysine, which is basic and polar, with glutamine, which is neutral and polar, at codon 1539 of the ERCC6L2 protein (p.Lys1539Gln). This variant is present in population databases (rs750844516, gnomAD 0.0009%). This variant has not been reported in the literature in individuals affected with ERCC6L2-related conditions. Experimental studies and prediction algorithms are not available or were not evaluated, and the functional significance of this variant is currently unknown. In summary, the available evidence is currently insufficient to determine the role of this variant in disease. Therefore, it has been classified as a Variant of Uncertain Significance.

NM_020207.7(ERCC6L2):c.4582A>C (p.Lys1528Gln)

Gene: ERCC6L2 (ERCC excision repair 6 like 2; plus strand). Cytogenetic location: 9q22.32.
Variant type: single nucleotide variant.
Coding change: c.4582A>C on transcript NM_020207.7 (MANE Select); coding-DNA position 4582, A replaced by C.
Protein change: p.Lys1528Gln; replaces lysine 1528 with glutamine.
Molecular consequence: missense variant. On other transcripts: non-coding transcript variant (1), intron variant (2).
Genome position (GRCh38, 1-based): chr9:96,013,132, A>C. VCF-style: chr9-96013132-A-C. GRCh37 (hg19) VCF-style: chr9-98775414-A-C.
Other names: c.3674+8431A>C (NM_001375291.1, NM_001375292.1); short protein forms K1528Q.
Identifiers: ClinVar variation 3670965 (VCV003670965.2).
Genomic context (GRCh38, chr9:96,013,132, plus strand): 5'-CTAGCAGCACCCTTTAAAAGGAGAGAAGAGCCAGCAACTTCTCTTTGGAAATCAAATGAG[A>C]AATTTTTATGGAAGAAATTTAGCCCAAGTGATACAGATGAAAACGCAACCAATACACAGA-3'
Protein context (NP_064592.3, residues 1518-1538): PATSLWKSNE[Lys1528Gln]FLWKKFSPSD